The following is an entry in ClinVar:

NM_020949.3(SLC7A14):c.541+3G>A

Genes: SLC7A14 (solute carrier family 7 member 14; minus strand), SLC7A14-AS1 (SLC7A14 antisense RNA 1; plus strand). Cytogenetic location: 3q26.2.
Variant type: single nucleotide variant.
Coding change: c.541+3G>A on transcript NM_020949.3 (MANE Select); 3 bases into the intron after coding-DNA position 541, G replaced by A.
Molecular consequence: intron variant.
Genome position (GRCh38, 1-based): chr3:170,501,106, C>T on the plus strand (G>A on the coding strand, the complement: SLC7A14 is on the minus strand). VCF-style: chr3-170501106-C-T. GRCh37 (hg19) VCF-style: chr3-170218895-C-T.
Identifiers: ClinVar variation 508323 (VCV000508323.6), dbSNP rs369721277, ClinGen allele CA2701910.

ClinVar aggregate classification (germline): Conflicting classifications of pathogenicity. Review status: criteria provided, conflicting classifications (1 of 4 stars). 2 submissions from 2 submitters: Uncertain significance (1); Likely benign (1). Last evaluated 2025-03-18.

Allele frequency attached by ClinVar (database versions not stated): gnomAD exomes 0.00001 and 0.00005; TOPMed 0.00004; gnomAD 0.00005; ESP Exome Variant Server 0.00008; ExAC 0.00001.
gnomAD v4.1: 85 of 1,613,920 alleles (0.0053%); highest among the groups gnomAD compares: Non-Finnish European, 0.0069%; no homozygotes.

Submissions (2):

Labcorp Genetics (formerly Invitae), Labcorp
Classification: Uncertain significance. Last evaluated: 2025-03-18. Review status: criteria provided, single submitter. Criteria: Invitae Variant Classification Sherloc (09022015). Collection method: clinical testing. Allele origin: germline.
Comment: This sequence change falls in intron 3 of the SLC7A14 gene. It does not directly change the encoded amino acid sequence of the SLC7A14 protein. It affects a nucleotide within the consensus splice site. This variant is present in population databases (rs369721277, gnomAD 0.004%). This variant has not been reported in the literature in individuals affected with SLC7A14-related conditions. ClinVar contains an entry for this variant (Variation ID: 508323). Variants that disrupt the consensus splice site are a relatively common cause of aberrant splicing (PMID: 17576681, 9536098). Algorithms developed to predict the effect of sequence changes on RNA splicing suggest that this variant is not likely to affect RNA splicing. In summary, the available evidence is currently insufficient to determine the role of this variant in disease. Therefore, it has been classified as a Variant of Uncertain Significance.

GeneDx
Classification: Likely benign. Last evaluated: 2017-03-29. Review status: criteria provided, single submitter. Criteria: GeneDx Variant Classification (06012015). Collection method: clinical testing. Allele origin: germline. Affected: yes.
Comment: This variant is considered likely benign or benign based on one or more of the following criteria: it is a conservative change, it occurs at a poorly conserved position in the protein, it is predicted to be benign by multiple in silico algorithms, and/or has population frequency not consistent with disease.

Literature cited by the submitters: PubMed 17576681 (cited by Labcorp Genetics (formerly Invitae), Labcorp); PubMed 9536098 (cited by Labcorp Genetics (formerly Invitae), Labcorp).